The following is an entry in ClinVar:

NM_001369.3(DNAH5):c.112_113insC (p.Asn38fs)

Gene: DNAH5 (dynein axonemal heavy chain 5; minus strand). Cytogenetic location: 5p15.2.
Variant type: Insertion.
Coding change: c.112_113insC on transcript NM_001369.3 (MANE Select); coding-DNA positions 112 to 113, C inserted.
Protein change: p.Asn38fs; shifts the reading frame from asparagine 38.
Molecular consequence: frameshift variant.
Genome position: GRCh38 VCF-style: chr5-13931189-T-TG. GRCh37 (hg19) VCF-style: chr5-13931298-T-TG.
Other names: short protein forms N38fs.
Identifiers: ClinVar variation 5010943 (VCV005010943.1).

ClinVar aggregate classification (germline): Pathogenic (1 of 4 stars; one submission).

Conditions:
Primary ciliary dyskinesia 3. Identifiers: Orphanet 244, MedGen C1837618, MONDO:0012085, OMIM 608644.

Submission:

Myriad Genetics, Inc.
Classification: Pathogenic for Primary ciliary dyskinesia 3. Last evaluated: 2024-05-14. Review status: criteria provided, single submitter. Criteria: Myriad Autosomal Dominant, Autosomal Recessive and X-Linked Classification Criteria (2023). Collection method: clinical testing. Allele origin: unknown.
Comment: NM_001369.2(DNAH5):c.112_113insC(N38Tfs*24) is expected to be pathogenic in the context of primary ciliary dyskinesia, DNAH5-related. This variant is predicted to lead to an abnormal or absent protein product due to the creation of a premature termination codon in DNAH5, a gene where loss-of-function variants are known to be pathogenic. Please note: this variant was assessed in the context of healthy population screening.